The following is an entry in ClinVar:

ClinVar aggregate classification (germline): Uncertain significance (1 of 4 stars; one submission).

Conditions:
Cardiovascular phenotype. Identifiers: MedGen CN230736.

Submission:

Ambry Genetics
Classification: Uncertain significance for Cardiovascular phenotype. Last evaluated: 2025-06-01. Review status: criteria provided, single submitter. Criteria: Ambry Variant Classification Scheme 2023. Collection method: clinical testing. Allele origin: germline.
Comment: The p.N2512D variant (also known as c.7534A>G), located in coding exon 2 of the ZNF469 gene, results from an A to G substitution at nucleotide position 7534. The asparagine at codon 2512 is replaced by aspartic acid, an amino acid with highly similar properties. This amino acid position is conserved. In addition, this alteration is predicted to be tolerated by in silico analysis. Based on the available evidence, the clinical significance of this variant remains unclear.

NM_001367624.2(ZNF469):c.7618A>G (p.Asn2540Asp)

Gene: ZNF469 (zinc finger protein 469; plus strand). Cytogenetic location: 16q24.2.
Variant type: single nucleotide variant.
Coding change: c.7618A>G on transcript NM_001367624.2 (MANE Select); coding-DNA position 7618, A replaced by G.
Protein change: p.Asn2540Asp; replaces asparagine 2540 with aspartic acid.
Molecular consequence: missense variant.
Genome position (GRCh38, 1-based): chr16:88,435,088, A>G. VCF-style: chr16-88435088-A-G. GRCh37 (hg19) VCF-style: chr16-88501496-A-G.
Other names: NM_001127464.1:c.7534A>G; short protein forms N2540D.
Identifiers: ClinVar variation 3987376 (VCV003987376.1).